The following is an entry in ClinVar:

ClinVar aggregate classification (germline): Likely benign (1 of 4 stars; one submission).

Allele frequency attached by ClinVar (database versions not stated): ESP Exome Variant Server 0.00008.
gnomAD v4.1: 21 of 1,606,256 alleles (0.0013%); highest among the groups gnomAD compares: East Asian, 0.0045%; no homozygotes.

Submission:

CeGaT Center for Human Genetics Tuebingen
Classification: Likely benign. Last evaluated: 2023-07-01. Review status: criteria provided, single submitter. Criteria: CeGaT Center For Human Genetics Tuebingen Variant Classification Criteria Version 2. Collection method: clinical testing. Allele origin: germline. Affected: yes. Observed: 1 variant allele.
Comment: MYL1: BP4, BP7

NM_079420.3(MYL1):c.45G>A (p.Ala15=)

Gene: MYL1 (myosin light chain 1; minus strand). Cytogenetic location: 2q34.
Variant type: single nucleotide variant.
Coding change: c.45G>A on transcript NM_079420.3 (MANE Select); coding-DNA position 45, G replaced by A.
Protein change: p.Ala15=; no amino-acid change (alanine 15 retained).
Molecular consequence: synonymous variant.
Genome position (GRCh38, 1-based): chr2:210,314,998, C>T on the plus strand (G>A on the coding strand, the complement: MYL1 is on the minus strand). VCF-style: chr2-210314998-C-T. GRCh37 (hg19) VCF-style: chr2-211179722-C-T.
Identifiers: ClinVar variation 2651861 (VCV002651861.24), dbSNP rs372051162, ClinGen allele CA2085400.
Genomic context (GRCh38, chr2:210,314,998, plus strand): 5'-TTCTTTGGGTTTGGCTGGGGCAGGGGCAGGTGCAGGTGCCGGTGCCGGGGCTGGGGCAGC[C>T]GCAGCCGCAGCCACAGGTTTCTTCACGTCTTTCTTTGGTGCCATTTTTTTTTTTAAAAGG-3'
Protein context (NP_524144.1, residues 5-25): KDVKKPVAAA[Ala15=]AAPAPAPAPA